The following is an entry in ClinVar:

NM_000257.4(MYH7):c.2303GGCTGCTGG[3] (p.768GLL[3])

Genes: MYH7 (myosin heavy chain 7; minus strand), LOC126861898 (BRD4-independent group 4 enhancer GRCh37_chr14:23893609-23894808; plus strand). Cytogenetic location: 14q11.2.
Variant type: Microsatellite.
Coding change: c.2303GGCTGCTGG[3] on transcript NM_000257.4 (MANE Select); three copies in a row of the 9-base unit GGCTGCTGG starting at c.2303; the reference has two copies in a row; one copy, 9 bases duplicated; also written c.2312_2320dup.
Protein change: p.768GLL[3].
Molecular consequence: inframe insertion.
Genome position (GRCh38, 1-based): chr14:23,425,385-23,425,393, CCAGCAGCC duplicated on the plus strand (GGCTGCTGG on the coding strand, the reverse complement: MYH7 is on the minus strand); duplicating any 9 consecutive bases within chr14:23,425,385-23,425,403 gives the same sequence; the position shown is the placement nearest the transcript's 3' end. VCF-style (leftmost placement, unchanged base first): chr14-23425384-T-TCCAGCAGCC. GRCh37 (hg19) VCF-style: chr14-23894593-T-TCCAGCAGCC.
Other names: c.2312_2320dup (NM_000257.4).
Identifiers: ClinVar variation 216365 (VCV000216365.9), dbSNP rs863224647, ClinGen allele CA337534.

ClinVar aggregate classification (germline): Uncertain significance. Review status: criteria provided, multiple submitters, no conflicts (2 of 4 stars). 2 submissions from 2 submitters: Uncertain significance (2). Last evaluated 2025-09-15.

Conditions:
Cardiomyopathy (CMYO). Also called: Cardiomyopathies. Identifiers: Orphanet 167848, MedGen C0878544, MONDO:0004994, HP:0001638. Inheritance: Various modes of inheritance.
Hypertrophic cardiomyopathy. Also called: HYPERTROPHIC MYOCARDIOPATHY. Identifiers: Orphanet 217569, MedGen C0007194, MeSH D002312, MONDO:0005045, HP:0001639.

Submissions (2):

Labcorp Genetics (formerly Invitae), Labcorp
Classification: Uncertain significance for Hypertrophic cardiomyopathy. Last evaluated: 2025-09-15. Review status: criteria provided, single submitter. Criteria: Invitae Variant Classification Sherloc (09022015). Collection method: clinical testing. Allele origin: germline.
Comment: This variant, c.2312_2320dup, results in the insertion of 3 amino acid(s) of the MYH7 protein (p.Gly771_Leu773dup), but otherwise preserves the integrity of the reading frame. This variant is not present in population databases (gnomAD no frequency). This variant has not been reported in the literature in individuals affected with MYH7-related conditions. Experimental studies and prediction algorithms are not available or were not evaluated, and the functional significance of this variant is currently unknown. In summary, the available evidence is currently insufficient to determine the role of this variant in disease. Therefore, it has been classified as a Variant of Uncertain Significance.

Color Diagnostics, LLC DBA Color Health
Classification: Uncertain significance for Cardiomyopathy. Last evaluated: 2025-07-25. Review status: criteria provided, single submitter. Criteria: ACMG Guidelines, 2015. Collection method: clinical testing. Allele origin: germline.
Comment: This variant causes an in-frame duplication of three amino acids at exon 21 of the MYH7 protein. To our knowledge, functional studies have not been reported for this variant. This variant has not been reported in individuals affected with MYH7-related disorders in the literature. This variant has not been identified in the general population by the Genome Aggregation Database (gnomAD). The available evidence is insufficient to determine the role of this variant in disease conclusively. Therefore, this variant is classified as a Variant of Uncertain Significance.